The following is an entry in ClinVar:

NM_006586.5(CNPY3):c.50TGC[14] (p.Leu25_Pro26insLeuLeuLeuLeuLeu)

Genes: CNPY3 (canopy FGF signaling regulator 3; plus strand), CNPY3-GNMT (CNPY3-GNMT readthrough; plus strand). Cytogenetic location: 6p21.1.
Variant type: Microsatellite.
Coding change: c.50TGC[14] on transcript NM_006586.5 (MANE Select); 14 copies in a row of the 3-base unit TGC starting at c.50; the reference has nine copies in a row; five copies, 15 bases duplicated; also written c.62_76dup.
Protein change: p.Leu25_Pro26insLeuLeuLeuLeuLeu.
Molecular consequence: inframe insertion. On other transcripts: 5 prime UTR variant (2), non-coding transcript variant (9).
Genome position (GRCh38, 1-based): chr6:42,929,632-42,929,646, TGCTGCTGCTGCTGC duplicated; duplicating any 15 consecutive bases within chr6:42,929,620-42,929,646 gives the same sequence; the position shown is the placement nearest the transcript's 3' end. VCF-style (leftmost placement, unchanged base first): chr6-42929619-T-TTGCTGCTGCTGCTGC. GRCh37 (hg19) VCF-style: chr6-42897357-T-TTGCTGCTGCTGCTGC.
Other names: c.62_76dup (NM_006586.5); c.50TGC[14], p.Leu25_Pro26insLeuLeuLeuLeuLeu (NM_001318842.1, NM_001318847.2, NM_001318848.2 and 2 more transcripts); c.-94TGC[14] (NM_001318845.1, NM_001318856.2).
Identifiers: ClinVar variation 3252022 (VCV003252022.2), dbSNP rs570105218.

ClinVar aggregate classification (germline): Uncertain significance (1 of 4 stars; one submission).

Conditions:
Developmental and epileptic encephalopathy, 60. Also called: EPILEPTIC ENCEPHALOPATHY, EARLY INFANTILE, 60. Identifiers: MedGen C4693663, MONDO:0033369, OMIM 617929.

Submission:

Genomic Research Center, Shahid Beheshti University of Medical Sciences
Classification: Uncertain significance for Developmental and epileptic encephalopathy, 60. Last evaluated: 2024-07-08. Review status: criteria provided, single submitter. Criteria: ACMG Guidelines, 2015. Collection method: clinical testing. Allele origin: inherited. Inheritance: Autosomal recessive inheritance. Affected: yes. Observed: 1 homozygote.
Comment: The variant c.62_76dup (p.L21_L25dup) was detected homozygous in CNPY3 gene. The variant has not been reported for its pathogenicity in ClinVar. The frequency of it in public population databases is very low.